The following is an entry in ClinVar:

NM_001042492.3(NF1):c.7270A>G (p.Arg2424Gly)

Gene: NF1 (neurofibromin 1; plus strand). Cytogenetic location: 17q11.2.
Variant type: single nucleotide variant.
Coding change: c.7270A>G on transcript NM_001042492.3 (MANE Select); coding-DNA position 7270, A replaced by G.
Protein change: p.Arg2424Gly; replaces arginine 2424 with glycine.
Molecular consequence: missense variant.
Genome position (GRCh38, 1-based): chr17:31,349,200, A>G. VCF-style: chr17-31349200-A-G. GRCh37 (hg19) VCF-style: chr17-29676218-A-G.
Other names: c.7207A>G, p.Arg2403Gly (NM_000267.4); short protein forms R2403G, R2424G.
Identifiers: ClinVar variation 3239933 (VCV003239933.2), dbSNP rs2151572777.
Genomic context (GRCh38, chr17:31,349,200, plus strand): 5'-GCTATTGTTGCAAGAACAGTCAGAATTTTACATACACTACTAACTCTGGTTAACAAACAC[A>G]GAAATTGTGACAAATTTGAAGTGAATACACAGAGCGTGGCCTACTTAGCAGGTAAAAACA-3'
Protein context (NP_001035957.1, residues 2414-2434): HTLLTLVNKH[Arg2424Gly]NCDKFEVNTQ

ClinVar aggregate classification (germline): Uncertain significance. Review status: criteria provided, multiple submitters, no conflicts (2 of 4 stars). 2 submissions from 2 submitters: Uncertain significance (2). Last evaluated 2025-11-29.

Conditions:
Juvenile myelomonocytic leukemia (JMML). Also called: LEUKEMIA, JUVENILE MYELOMONOCYTIC, SOMATIC. Identifiers: Orphanet 86834, MedGen C0349639, MONDO:0011908, OMIM 607785, HP:0012209.
Hereditary cancer-predisposing syndrome. Also called: Neoplastic Syndromes, Hereditary; Tumor predisposition; Hereditary neoplastic syndrome; Hereditary Cancer Syndrome. Identifiers: Orphanet 140162, MedGen C0027672, MeSH D009386, MONDO:0015356.
Cardiovascular phenotype. Identifiers: MedGen CN230736.

Submissions (2):

Ambry Genetics
Classification: Uncertain significance for Cardiovascular phenotype; Hereditary cancer-predisposing syndrome. Last evaluated: 2025-11-29. Review status: criteria provided, single submitter. Criteria: Ambry Variant Classification Scheme 2023. Collection method: clinical testing. Allele origin: germline.
Comment: The p.R2403G variant (also known as c.7207A>G), located in coding exon 48 of the NF1 gene, results from an A to G substitution at nucleotide position 7207. The arginine at codon 2403 is replaced by glycine, an amino acid with dissimilar properties. This amino acid position is conserved. In addition, this alteration is predicted to be tolerated by in silico analysis. Based on the available evidence, the clinical significance of this variant remains unclear.

Baylor Genetics
Classification: Uncertain significance for Juvenile myelomonocytic leukemia. Last evaluated: 2023-12-26. Review status: criteria provided, single submitter. Criteria: ACMG Guidelines, 2015. Collection method: clinical testing. Allele origin: unknown.